The following is an entry in ClinVar:

ClinVar aggregate classification (germline): Likely benign. Review status: criteria provided, multiple submitters, no conflicts (2 of 4 stars). 4 submissions from 4 submitters: Likely benign (3). 1 of the submissions does not count toward it. Last evaluated 2024-12-04.

Conditions:
KRT6A-related disorder. Also called: KRT6A-related condition.

Allele frequency attached by ClinVar (database versions not stated): 1000 Genomes Project 30x 0.00187; 1000 Genomes Project 0.00240.
gnomAD v4.1: 1,233 of 1,613,996 alleles (0.076%); highest among the groups gnomAD compares: African/African-American, 0.42%; 2 homozygotes.

Submissions (4):

Labcorp Genetics (formerly Invitae), Labcorp
Classification: Likely benign. Last evaluated: 2024-12-04. Review status: criteria provided, single submitter. Criteria: Invitae Variant Classification Sherloc (09022015). Collection method: clinical testing. Allele origin: germline.

Blueprint Genetics
Classification: Likely benign. Last evaluated: 2024-11-20. Review status: criteria provided, single submitter. Criteria: ACMG Guidelines, 2015. Collection method: clinical testing. Allele origin: germline.

Breakthrough Genomics
Classification: Likely benign. Review status: criteria provided, single submitter. Criteria: ACMG Guidelines, 2015. Collection method: not provided. Allele origin: germline. Inheritance: Autosomal dominant inheritance. Affected: yes.

PreventionGenetics, part of Exact Sciences
Classification: Likely benign for KRT6A-related condition. Last evaluated: 2023-05-27. Review status: no assertion criteria provided. Collection method: clinical testing. Allele origin: germline. Not counted in ClinVar's aggregate classification.
Comment: This variant is classified as likely benign based on ACMG/AMP sequence variant interpretation guidelines (Richards et al. 2015 PMID: 25741868, with internal and published modifications).

NM_005554.4(KRT6A):c.1567G>A (p.Val523Ile)

Gene: KRT6A (keratin 6A; minus strand). Cytogenetic location: 12q13.13.
Variant type: single nucleotide variant.
Coding change: c.1567G>A on transcript NM_005554.4 (MANE Select); coding-DNA position 1567, G replaced by A.
Protein change: p.Val523Ile; replaces valine 523 with isoleucine.
Molecular consequence: missense variant.
Genome position (GRCh38, 1-based): chr12:52,487,848, C>T on the plus strand (G>A on the coding strand, the complement: KRT6A is on the minus strand). VCF-style: chr12-52487848-C-T. GRCh37 (hg19) VCF-style: chr12-52881632-C-T.
Other names: short protein forms V523I.
Identifiers: ClinVar variation 773545 (VCV000773545.11), dbSNP rs62617088, ClinGen allele CA6581760.